The following is an entry in ClinVar:

ClinVar aggregate classification (germline): Pathogenic (0 of 4 stars; one submission).

Conditions:
Pregnancy loss, recurrent, susceptibility to, 3 (RPRGL3). Identifiers: MedGen C3280674, MONDO:0013729, OMIM 614391.

Submission:

Department of Genetic Research, Imam Abdulrahman Bin Faisal University
Classification: Pathogenic for Pregnancy loss, recurrent, susceptibility to, 3. Last evaluated: 2019-07-25. Review status: no assertion criteria provided. Collection method: research. Allele origin: inherited. Inheritance: Autosomal recessive inheritance. Affected: yes. Observed: 1 homozygote.
Comment: The NM_017419.2:c.680G>T [p.R227I] variant in ASIC5 gene has been observed in a Saudi Arabian Family with autosomal recessive recurrent pregnancy loss or recurrent miscarriage. The family, from Saudi Arabia, has earlier history of three unexplained recurrent pregnancy losses at the 9th week of pregnancy. The 4th miscarriage sample was discovered with autosomal recessive NM_017419.2:c.680G>T [p.R227I]. Pathogenicity analysis of R227I amino acid substitution in ASIC5 protein through molecular docking and interaction analysis revealed that the mutations is highly pathogenic, decrease the stability of the protein and prevents binding of amiloride, which is an activator to open ASIC5's acid sensing ion channel.

Literature cited by the submitters: DOI 10.3389/fmed.2021.699672.

NM_017419.3(ASIC5):c.680G>T (p.Arg227Ile)

Gene: ASIC5 (acid sensing ion channel subunit family member 5; minus strand). Cytogenetic location: 4q32.1.
Variant type: single nucleotide variant.
Coding change: c.680G>T on transcript NM_017419.3 (MANE Select); coding-DNA position 680, G replaced by T.
Protein change: p.Arg227Ile; replaces arginine 227 with isoleucine.
Molecular consequence: missense variant.
Genome position (GRCh38, 1-based): chr4:155,852,222, C>A on the plus strand (G>T on the coding strand, the complement: ASIC5 is on the minus strand). VCF-style: chr4-155852222-C-A. GRCh37 (hg19) VCF-style: chr4-156773374-C-A.
Other names: short protein forms R227I.
Identifiers: ClinVar variation 684614 (VCV000684614.3), dbSNP rs1248841709, ClinGen allele CA358552097.